The following is an entry in ClinVar:

ClinVar aggregate classification (germline): Uncertain significance (1 of 4 stars; one submission).

Conditions:
Inborn genetic diseases. Identifiers: MedGen C0950123, MeSH D030342.

Submission:

Ambry Genetics
Classification: Uncertain significance for Inborn genetic diseases. Last evaluated: 2026-03-01. Review status: criteria provided, single submitter. Criteria: Ambry Variant Classification Scheme 2023. Collection method: clinical testing. Allele origin: germline.
Comment: The p.Q7H variant (also known as c.21G>T), located in coding exon 1 of the ETV6 gene, results from a G to T substitution at nucleotide position 21. The glutamine at codon 7 is replaced by histidine, an amino acid with highly similar properties. This amino acid position is conserved. In addition, this alteration is predicted to be tolerated by in silico analysis. Based on the available evidence, the clinical significance of this variant remains unclear.

NM_001987.5(ETV6):c.21G>T (p.Gln7His)

Gene: ETV6 (ETS variant transcription factor 6; plus strand). Cytogenetic location: 12p13.2.
Variant type: single nucleotide variant.
Coding change: c.21G>T on transcript NM_001987.5 (MANE Select); coding-DNA position 21, G replaced by T.
Protein change: p.Gln7His; replaces glutamine 7 with histidine.
Molecular consequence: missense variant. On other transcripts: 5 prime UTR variant (2).
Genome position (GRCh38, 1-based): chr12:11,650,148, G>T. VCF-style: chr12-11650148-G-T. GRCh37 (hg19) VCF-style: chr12-11803082-G-T.
Other names: c.21G>T, p.Gln7His (NM_001413913.1, NM_001413916.1, NM_001413917.1 and 1 more transcripts); c.-132G>T (NM_001413914.1); c.-114G>T (NM_001413915.1); short protein forms Q7H.
Identifiers: ClinVar variation 4826548 (VCV004826548.1).